The following is an entry in ClinVar:

NM_000540.3(RYR1):c.4185C>T (p.Val1395=)

Gene: RYR1 (ryanodine receptor 1; plus strand). Cytogenetic location: 19q13.2.
Variant type: single nucleotide variant.
Coding change: c.4185C>T on transcript NM_000540.3 (MANE Select); coding-DNA position 4185, C replaced by T.
Protein change: p.Val1395=; no amino-acid change (valine 1395 retained).
Molecular consequence: synonymous variant.
Genome position (GRCh38, 1-based): chr19:38,475,342, C>T. VCF-style: chr19-38475342-C-T. GRCh37 (hg19) VCF-style: chr19-38965982-C-T.
Other names: c.4185C>T, p.Val1395= (NM_001042723.2).
Identifiers: ClinVar variation 698070 (VCV000698070.15), dbSNP rs761955179, ClinGen allele CA065628.

ClinVar aggregate classification (germline): Conflicting classifications of pathogenicity. Review status: criteria provided, conflicting classifications (1 of 4 stars). 5 submissions from 5 submitters: Uncertain significance (1); Likely benign (4). Last evaluated 2025-10-31.

Conditions:
Malignant hyperthermia, susceptibility to, 1 (MHS1). Also called: Malignant hyperthermia suceptibility 1; Anesthesia related hyperthermia; Malignant hyperpyrexia; Fulminating hyperpyrexia; Pharmacogenic myopathy; RYR1-Related Malignant Hyperthermia Susceptibility. Identifiers: Orphanet 423, MedGen C2930980, MONDO:0007783, OMIM 145600.
RYR1-related disorder. Also called: RYR1-related disorders; RYR1-related condition. Identifiers: MedGen CN239331.

Allele frequency attached by ClinVar (database versions not stated): gnomAD exomes 0.00002 and 0.00006; TOPMed 0.00006; gnomAD 0.00009; ExAC 0.00011.
gnomAD v4.1: 43 of 1,603,390 alleles (0.0027%); highest among the groups gnomAD compares: Middle Eastern, 0.033%; no homozygotes.

Submissions (5):

Labcorp Genetics (formerly Invitae), Labcorp
Classification: Likely benign for RYR1-related disorder. Last evaluated: 2025-10-31. Review status: criteria provided, single submitter. Criteria: Invitae Variant Classification Sherloc (09022015). Collection method: clinical testing. Allele origin: germline.

All of Us Research Program, National Institutes of Health
Classification: Likely benign for Malignant hyperthermia, susceptibility to, 1. Last evaluated: 2024-01-11. Review status: criteria provided, single submitter. Criteria: ACMG Guidelines, 2015. Collection method: clinical testing. Allele origin: germline. Inheritance: Autosomal dominant inheritance. Observed: 10 variant alleles, 10 heterozygotes.
Comment: This study involves interpretation of variants in research participants for the purpose of population health screening. Participant phenotype was not available at the time of variant classification. Additional details can be found in publication PMID: 35346344, PMCID: PMC8962531

Blueprint Genetics
Classification: Likely benign. Last evaluated: 2023-06-19. Review status: criteria provided, single submitter. Criteria: ACMG Guidelines, 2015. Collection method: clinical testing. Allele origin: germline.

Color Diagnostics, LLC DBA Color Health
Classification: Likely benign for Malignant hyperthermia, susceptibility to, 1. Last evaluated: 2022-11-06. Review status: criteria provided, single submitter. Criteria: ACMG Guidelines, 2015. Collection method: clinical testing. Allele origin: germline.

Revvity Omics, Revvity
Classification: Uncertain significance. Last evaluated: 2019-07-08. Review status: criteria provided, single submitter. Criteria: ACMG Guidelines, 2015. Collection method: clinical testing. Allele origin: germline.